The following is an entry in ClinVar:

ClinVar aggregate classification (germline): Benign (1 of 4 stars; one submission).

Allele frequency attached by ClinVar (database versions not stated): 1000 Genomes Project 0.00499; 1000 Genomes Project 30x 0.00515; TOPMed 0.00798; ESP Exome Variant Server 0.00806; gnomAD 0.00810; gnomAD exomes 0.00921; ExAC 0.01222.
gnomAD v4.1: 13,672 of 1,502,822 alleles (0.91%); highest among the groups gnomAD compares: Middle Eastern, 1.2%; 71 homozygotes.

Submission:

CeGaT Center for Human Genetics Tuebingen
Classification: Benign. Last evaluated: 2024-02-01. Review status: criteria provided, single submitter. Criteria: CeGaT Center For Human Genetics Tuebingen Variant Classification Criteria Version 2. Collection method: clinical testing. Allele origin: germline. Affected: yes. Observed: 1 variant allele.
Comment: BCL3: BP4, BP7, BS1, BS2

NM_005178.5(BCL3):c.909C>T (p.Asn303=)

Gene: BCL3 (BCL3 transcription coactivator; plus strand). Cytogenetic location: 19q13.32.
Variant type: single nucleotide variant.
Coding change: c.909C>T on transcript NM_005178.5 (MANE Select); coding-DNA position 909, C replaced by T.
Protein change: p.Asn303=; no amino-acid change (asparagine 303 retained).
Molecular consequence: synonymous variant.
Genome position (GRCh38, 1-based): chr19:44,758,263, C>T. VCF-style: chr19-44758263-C-T. GRCh37 (hg19) VCF-style: chr19-45261520-C-T.
Identifiers: ClinVar variation 3024868 (VCV003024868.22), dbSNP rs34401216, ClinGen allele CA9503536.
Genomic context (GRCh38, chr19:44,758,263, plus strand): 5'-GGTGGCCCGCGCGCCCTCCTGACCCGGCCCTCCCGTCCCGCAGCACGGCGCCAACGTGAA[C>T]GCGCAAATGTACTCCGGCAGCTCCGCCCTGCACTCAGCGTCCGGCCGCGGGCTCCTCCCG-3'
Protein context (NP_005169.2, residues 293-313): QLLLQHGANV[Asn303=]AQMYSGSSAL